The following is an entry in ClinVar:

NM_003119.4(SPG7):c.2219A>G (p.Tyr740Cys)

Gene: SPG7 (SPG7 matrix AAA peptidase subunit, paraplegin; plus strand). Cytogenetic location: 16q24.3.
Variant type: single nucleotide variant.
Coding change: c.2219A>G on transcript NM_003119.4 (MANE Select); coding-DNA position 2219, A replaced by G.
Protein change: p.Tyr740Cys; replaces tyrosine 740 with cysteine.
Molecular consequence: missense variant. On other transcripts: synonymous variant (1).
Genome position (GRCh38, 1-based): chr16:89,556,924, A>G. VCF-style: chr16-89556924-A-G. GRCh37 (hg19) VCF-style: chr16-89623332-A-G.
Other names: c.2427A>G, p.Leu809= (NM_001363850.1); short protein forms Y740C.
Identifiers: ClinVar variation 3249165 (VCV003249165.3).

ClinVar aggregate classification (germline): Uncertain significance. Review status: criteria provided, multiple submitters, no conflicts (2 of 4 stars). 2 submissions from 2 submitters: Uncertain significance (2). Last evaluated 2024-06-03.

Conditions:
Retinal dystrophy. Also called: Inherited retinal dystrophy. Identifiers: Orphanet 71862, MedGen C0854723, MeSH D058499, MONDO:0019118, HP:0000556.
Hereditary spastic paraplegia 7 (SPG7). Also called: Autosomal recessive spastic paraplegia type 7; SPASTIC PARAPLEGIA 7, AUTOSOMAL RECESSIVE, WITH OR WITHOUT CEREBELLAR ATAXIA; Spastic paraplegia 7; Hereditary spastic paraplegia Paraplegin type; SPG7-related neurologic disorder. Identifiers: Orphanet 99013, MedGen C1846564, MONDO:0011803, OMIM 607259.

gnomAD v4.1: 67 of 1,614,076 alleles (0.0042%); highest among the groups gnomAD compares: East Asian, 0.042%; no homozygotes.

Submissions (2):

Labcorp Genetics (formerly Invitae), Labcorp
Classification: Uncertain significance for Hereditary spastic paraplegia 7. Last evaluated: 2024-06-03. Review status: criteria provided, single submitter. Criteria: Invitae Variant Classification Sherloc (09022015). Collection method: clinical testing. Allele origin: germline.
Comment: This sequence change replaces tyrosine, which is neutral and polar, with cysteine, which is neutral and slightly polar, at codon 740 of the SPG7 protein (p.Tyr740Cys). This variant is present in population databases (rs770661102, gnomAD 0.03%). This missense change has been observed in individuals with clinical features of SPG7-related condition (PMID: 18799786, 22964162, 31117107). Advanced modeling of protein sequence and biophysical properties (such as structural, functional, and spatial information, amino acid conservation, physicochemical variation, residue mobility, and thermodynamic stability) performed at Invitae indicates that this missense variant is expected to disrupt SPG7 protein function with a positive predictive value of 80%. In summary, the available evidence is currently insufficient to determine the role of this variant in disease. Therefore, it has been classified as a Variant of Uncertain Significance.

Institute of Human Genetics, Univ. Regensburg, Univ. Regensburg
Classification: Uncertain significance for Retinal dystrophy. Last evaluated: 2022-01-01. Review status: criteria provided, single submitter. Criteria: ACMG Guidelines, 2015. Collection method: clinical testing. Allele origin: germline. Affected: yes.

Literature cited by the submitters: PubMed 18799786 (cited by Labcorp Genetics (formerly Invitae), Labcorp and Institute of Human Genetics, Univ. Regensburg, Univ. Regensburg); PubMed 22964162 (cited by Labcorp Genetics (formerly Invitae), Labcorp); PubMed 31117107 (cited by Labcorp Genetics (formerly Invitae), Labcorp); PubMed 311171 (cited by Institute of Human Genetics, Univ. Regensburg, Univ. Regensburg).